The following is an entry in ClinVar:

ClinVar aggregate classification (germline): Uncertain significance (1 of 4 stars; one submission).

Submission:

GeneDx
Classification: Uncertain significance. Last evaluated: 2023-11-18. Review status: criteria provided, single submitter. Criteria: GeneDx Variant Classification Process June 2021. Collection method: clinical testing. Allele origin: germline. Affected: yes.
Comment: Not observed at significant frequency in large population cohorts (gnomAD); Has not been previously published as pathogenic or benign to our knowledge; Reported using an alternate transcript (non-epithelial isoform) of the gene

NM_001374736.1(DST):c.13315A>G (p.Thr4439Ala)

Gene: DST (dystonin; minus strand). Cytogenetic location: 6p12.1.
Variant type: single nucleotide variant.
Coding change: c.13315A>G on transcript NM_001374736.1 (MANE Select); coding-DNA position 13315, A replaced by G.
Protein change: p.Thr4439Ala; replaces threonine 4439 with alanine.
Molecular consequence: missense variant.
Genome position (GRCh38, 1-based): chr6:56,572,986, T>C on the plus strand (A>G on the coding strand, the complement: DST is on the minus strand). VCF-style: chr6-56572986-T-C. GRCh37 (hg19) VCF-style: chr6-56437784-T-C.
Other names: c.6958A>G, p.Thr2320Ala (NM_001144769.5); c.6544A>G, p.Thr2182Ala (NM_001144770.2); c.13315A>G, p.Thr4439Ala (NM_001374722.1); c.12682A>G, p.Thr4228Ala (NM_001374729.1); c.6424A>G, p.Thr2142Ala (NM_001374730.1, NM_001386100.1, NM_183380.4); c.13342A>G, p.Thr4448Ala (NM_001374734.1); c.5446A>G, p.Thr1816Ala (NM_015548.5); short protein forms T1816A, T2142A, T2182A, T2320A, T4228A, T4439A, T4448A.
Identifiers: ClinVar variation 3364446 (VCV003364446.1).